The following is an entry in ClinVar:

ClinVar aggregate classification (germline): Pathogenic/Likely pathogenic. Review status: no assertion criteria provided (0 of 4 stars). 2 submissions from 2 submitters: Pathogenic (1); Likely pathogenic (1). Last evaluated 2014-11-27.

Conditions:
Primary hyperoxaluria, type I (HP1). Also called: GLYCOLIC ACIDURIA; HEPATIC AGT DEFICIENCY; OXALOSIS I; Primary hyperoxaluria type 1. Identifiers: Orphanet 416, Orphanet 93598, MedGen C0268164, MONDO:0009823, OMIM 259900. Disease mechanism: loss of function.

Allele frequency attached by ClinVar (database versions not stated): gnomAD exomes 0.00001.
gnomAD v4.1: 6 of 1,613,538 alleles (0.00037%); highest among the groups gnomAD compares: Non-Finnish European, 0.00051%; no homozygotes.

Submissions (2):

Clinical Biochemistry Laboratory, Health Services Laboratory
Classification: Pathogenic for Primary hyperoxaluria, type I. Last evaluated: 2014-11-27. Review status: no assertion criteria provided. Collection method: research. Allele origin: germline. Affected: yes.
Comment: probable splice change

Yan Lab, Department of Urology, Pediatric Urolith Center, National Clinical Research Center for Child Health, The Children’s Hospital of Zhejiang University School of Medicine
Classification: Likely pathogenic for Primary hyperoxaluria, type I. Review status: no assertion criteria provided. Collection method: research. Allele origin: germline. Affected: no.

NM_000030.3(AGXT):c.595G>A (p.Gly199Ser)

Gene: AGXT (alanine--glyoxylate aminotransferase; plus strand). Cytogenetic location: 2q37.3.
Variant type: single nucleotide variant.
Coding change: c.595G>A on transcript NM_000030.3 (MANE Select); coding-DNA position 595, G replaced by A.
Protein change: p.Gly199Ser; replaces glycine 199 with serine.
Molecular consequence: missense variant.
Genome position (GRCh38, 1-based): chr2:240,873,049, G>A. VCF-style: chr2-240873049-G-A. GRCh37 (hg19) VCF-style: chr2-241812466-G-A.
Other names: short protein forms G199S.
Identifiers: ClinVar variation 204114 (VCV000204114.3), dbSNP rs796052062, ClinGen allele CA275713.